The following is an entry in ClinVar:

ClinVar aggregate classification (germline): Pathogenic/Likely pathogenic. Review status: criteria provided, multiple submitters, no conflicts (2 of 4 stars). 6 submissions from 6 submitters: Pathogenic (2); Likely pathogenic (3). 1 of the submissions does not count toward it. Last evaluated 2024-08-15.

Conditions:
Maple syrup urine disease type 1A (MSUD1A). Also called: MSUD type 1A. Identifiers: MedGen C1855369, MONDO:0023691, OMIM 248600.
Maple syrup urine disease (MSUD). Identifiers: Orphanet 511, MedGen C0024776, MeSH D008375, MONDO:0009563. Disease mechanism: loss of function.

Allele frequency attached by ClinVar (database versions not stated): gnomAD exomes below 0.00001.
gnomAD v4.1: 3 of 1,613,998 alleles (0.00019%); highest among the groups gnomAD compares: Non-Finnish European, 0.00025%; no homozygotes.

Submissions (6):

Natera, Inc.
Classification: Likely pathogenic for Maple syrup urine disease type 1A. Last evaluated: 2024-08-15. Review status: criteria provided, single submitter. Criteria: Natera Variant Classification Schema (03/2026). Collection method: clinical testing. Allele origin: germline.
Comment: The c.1168-2A>G variant in BCKDHA is a canonical splice acceptor site variant predicted to affect pre-mRNA splicing, which may result in an abnormal transcript and altered protein product. This variant may result in a truncated or dysfunctional protein product. This variant is rare in the general population with a frequency below the threshold expected for the associated phenotype(s). This variant has been observed in one or more individuals affected with the associated recessive disease, as either homozygous or compound heterozygous with a second variant (PMID: 19480318). This variant has been identified in one or more affected individual with a phenotype highly consistent with the associated gene (PMID: 19480318). Given the available evidence, this variant is classified as Likely Pathogenic.

Women's Health and Genetics/Laboratory Corporation of America, LabCorp
Classification: Likely pathogenic for Maple syrup urine disease type 1A. Last evaluated: 2024-08-08. Review status: criteria provided, single submitter. Criteria: LabCorp Variant Classification Summary - May 2015. Collection method: clinical testing. Allele origin: germline.
Comment: Variant summary: BCKDHA c.1168-2A>G is located in a canonical splice-site and is predicted to affect mRNA splicing resulting in a significantly altered protein due to either exon skipping, shortening, or inclusion of intronic material. Variants that disrupt the consensus splice site are a relatively common cause of aberrant splicing and loss of BCKDHA function. Several computational tools predict a significant impact on normal splicing: Four predict the variant abolishes a canonical 3' acceptor site. However, these predictions have yet to be confirmed by functional studies. The variant was absent in 248850 control chromosomes (gnomAD). c.1168-2A>G has been reported in the literature in individuals affected with Maple Syrup Urine Disease Type 1A (Gorzelany_2009, Strauss_2020). These data indicate that the variant may be associated with disease. To our knowledge, no experimental evidence demonstrating an impact on protein function has been reported. The following publications have been ascertained in the context of this evaluation (PMID: 19480318, 26901124, 31980395). ClinVar contains an entry for this variant (Variation ID: 431986). Based on the evidence outlined above, the variant was classified as likely pathogenic.

Labcorp Genetics (formerly Invitae), Labcorp
Classification: Pathogenic for Maple syrup urine disease. Last evaluated: 2023-07-25. Review status: criteria provided, single submitter. Criteria: Invitae Variant Classification Sherloc (09022015). Collection method: clinical testing. Allele origin: germline.
Comment: This variant is also known as IVS8-2A>G. Disruption of this splice site has been observed in individual(s) with maple syrup urine disease (PMID: 19480318, 31980395; Invitae). In at least one individual the data is consistent with being in trans (on the opposite chromosome) from a pathogenic variant. This variant is not present in population databases (gnomAD no frequency). This sequence change affects an acceptor splice site in intron 8 of the BCKDHA gene. While this variant is not anticipated to result in nonsense mediated decay, it likely alters RNA splicing and results in a disrupted protein product. ClinVar contains an entry for this variant (Variation ID: 431986). For these reasons, this variant has been classified as Pathogenic. Variants that disrupt the consensus splice site are a relatively common cause of aberrant splicing (PMID: 17576681, 9536098). Algorithms developed to predict the effect of sequence changes on RNA splicing suggest that this variant may disrupt the consensus splice site.

Baylor Genetics
Classification: Pathogenic for Maple syrup urine disease type 1A. Last evaluated: 2023-05-06. Review status: criteria provided, single submitter. Criteria: ACMG Guidelines, 2015. Collection method: clinical testing. Allele origin: unknown.

GeneDx
Classification: Likely pathogenic. Last evaluated: 2017-06-06. Review status: criteria provided, single submitter. Criteria: GeneDx Variant Classification (06012015). Collection method: clinical testing. Allele origin: germline. Affected: yes.
Comment: The c.1168-2 A>G variant was identified in a patient with classic MSUD who was homozygous for c.1168-2 A>G (Gorzelany et al. 2009). The c.1168-2 A>G variant is not observed in large population cohorts (Lek et al., 2016; 1000 Genomes Consortium et al., 2015; Exome Variant Server). The c.1168-2 A>G variant destroys the canonical splice acceptor site in intron 8 and is predicted to result in an in-frame deletion of a critical region. In summary, this variant is likely pathogenic.

Counsyl
Classification: Likely pathogenic for Maple syrup urine disease type 1A. Last evaluated: 2017-08-22. Review status: no assertion criteria provided. Collection method: clinical testing. Allele origin: unknown. Not counted in ClinVar's aggregate classification.

Literature cited by the submitters: PubMed 19480318 (cited by 4 submitters); PubMed 26901124 (cited by Women's Health and Genetics/Laboratory Corporation of America, LabCorp); PubMed 31980395 (cited by Women's Health and Genetics/Laboratory Corporation of America, LabCorp and Labcorp Genetics (formerly Invitae), Labcorp); PubMed 17576681 (cited by Labcorp Genetics (formerly Invitae), Labcorp); PubMed 9536098 (cited by Labcorp Genetics (formerly Invitae), Labcorp).

NM_000709.4(BCKDHA):c.1168-2A>G

Gene: BCKDHA (branched chain keto acid dehydrogenase E1 subunit alpha; plus strand). Cytogenetic location: 19q13.2.
Variant type: single nucleotide variant.
Coding change: c.1168-2A>G on transcript NM_000709.4 (MANE Select); the canonical splice acceptor site of the intron before coding-DNA position 1168, A replaced by G.
Molecular consequence: splice acceptor variant.
Genome position (GRCh38, 1-based): chr19:41,424,436, A>G. VCF-style: chr19-41424436-A-G. GRCh37 (hg19) VCF-style: chr19-41930341-A-G.
Other names: c.1165-2A>G (NM_001164783.2).
Identifiers: ClinVar variation 431986 (VCV000431986.11), dbSNP rs1555767285, ClinGen allele CA406015132.